The following is an entry in ClinVar:

ClinVar aggregate classification (germline): Likely benign (1 of 4 stars; one submission).

Allele frequency attached by ClinVar (database versions not stated): 1000 Genomes Project 30x 0.00125; 1000 Genomes Project 0.00140; gnomAD 0.00202; TOPMed 0.00215.
gnomAD v4.1: 308 of 152,252 alleles (0.2%); highest among the groups gnomAD compares: Admixed American, 0.33%; 1 homozygote.

Submission:

CeGaT Center for Human Genetics Tuebingen
Classification: Likely benign. Last evaluated: 2026-07-01. Review status: criteria provided, single submitter. Criteria: CeGaT Center For Human Genetics Tuebingen Variant Classification Criteria Version 2. Collection method: clinical testing. Allele origin: germline. Affected: yes. Observed: 7 variant alleles.
Comment: AFG2A: BP4, BS2

NM_145207.3(AFG2A):c.1714+4732C>T

Gene: AFG2A (AAA ATPase AFG2A; plus strand). Cytogenetic location: 4q28.1.
Variant type: single nucleotide variant.
Coding change: c.1714+4732C>T on transcript NM_145207.3 (MANE Select); 4732 bases into the intron after coding-DNA position 1714, C replaced by T.
Molecular consequence: intron variant.
Genome position (GRCh38, 1-based): chr4:122,952,220, C>T. VCF-style: chr4-122952220-C-T. GRCh37 (hg19) VCF-style: chr4-123873375-C-T.
Other names: c.1711+4732C>T (NM_001345856.2, NM_001317799.2).
Identifiers: ClinVar variation 2655072 (VCV002655072.24), dbSNP rs137968670, ClinGen allele CA104833935.
Genomic context (GRCh38, chr4:122,952,220, plus strand): 5'-TTCCATCACACTGTATCTAACTGCACCCTTTTTCCGTAGCTGGGACCAGAATCCTAAAGG[C>T]GCATATGTATGTCTCTGCCTTTGCCACGGGCCTCACCCAAACCCCTCAAGGTAACTGGCT-3'